The following is an entry in ClinVar:

ClinVar aggregate classification (germline): Likely benign. Review status: criteria provided, multiple submitters, no conflicts (2 of 4 stars). 3 submissions from 3 submitters: Likely benign (3). Last evaluated 2025-04-06.

Conditions:
Inborn genetic diseases. Identifiers: MedGen C0950123, MeSH D030342.
Neuropathy, hereditary sensory and autonomic, type 2A (HSAN2A). Also called: ACROOSTEOLYSIS, NEUROGENIC; ACROOSTEOLYSIS, GIACCAI TYPE; MORVAN DISEASE; NEUROPATHY, CONGENITAL SENSORY; NEUROPATHY, HEREDITARY SENSORY RADICULAR, AUTOSOMAL RECESSIVE; NEUROPATHY, HEREDITARY SENSORY, TYPE IIA. Identifiers: Orphanet 970, MedGen C2752089, MONDO:0024309, OMIM 201300.
Generalized epilepsy with febrile seizures plus, type 7 (GEFSP7). Also called: GEFS+, TYPE 7. Identifiers: Orphanet 36387, MedGen C2751778, MONDO:0013470, OMIM 613863.

Allele frequency attached by ClinVar (database versions not stated): gnomAD exomes below 0.00001; TOPMed below 0.00001.
gnomAD v4.1: 3 of 1,614,230 alleles (0.00019%); highest among the groups gnomAD compares: East Asian, 0.0045%; no homozygotes.

Submissions (3):

Labcorp Genetics (formerly Invitae), Labcorp
Classification: Likely benign for Neuropathy, hereditary sensory and autonomic, type 2A; Generalized epilepsy with febrile seizures plus, type 7. Last evaluated: 2025-04-06. Review status: criteria provided, single submitter. Criteria: Invitae Variant Classification Sherloc (09022015). Collection method: clinical testing. Allele origin: germline.

Women's Health and Genetics/Laboratory Corporation of America, LabCorp
Classification: Likely benign. Last evaluated: 2024-01-18. Review status: criteria provided, single submitter. Criteria: LabCorp Variant Classification Summary - May 2015. Collection method: clinical testing. Allele origin: germline.
Comment: Variant summary: SCN9A c.4995T>C alters a conserved nucleotide resulting in a synonymous change. Consensus agreement among computation tools predict no significant impact on normal splicing. However, these predictions have yet to be confirmed by functional studies. The variant was absent in 251472 control chromosomes. The available data on variant occurrences in the general population are insufficient to allow any conclusion about variant significance. To our knowledge, no occurrence of c.4995T>C in individuals affected with Channelopathy-Associated Congenital Insensitivity To Pain, Autosomal Recessive and no experimental evidence demonstrating its impact on protein function have been reported. ClinVar contains an entry for this variant (Variation ID: 471138, both Likely Benign). Based on the evidence outlined above, the variant was classified as likely benign.

Ambry Genetics
Classification: Likely benign for Inborn genetic diseases. Last evaluated: 2019-07-11. Review status: criteria provided, single submitter. Criteria: Ambry Variant Classification Scheme 2023. Collection method: clinical testing. Allele origin: germline.

NM_001365536.1(SCN9A):c.5028T>C (p.Asn1676=)

Genes: SCN9A (sodium voltage-gated channel alpha subunit 9; minus strand), SCN1A-AS1 (SCN1A and SCN9A antisense RNA 1; plus strand). Cytogenetic location: 2q24.3.
Variant type: single nucleotide variant.
Coding change: c.5028T>C on transcript NM_001365536.1 (MANE Select); coding-DNA position 5028, T replaced by C.
Protein change: p.Asn1676=; no amino-acid change (asparagine 1676 retained).
Molecular consequence: synonymous variant.
Genome position (GRCh38, 1-based): chr2:166,199,611, A>G on the plus strand (T>C on the coding strand, the complement: SCN9A is on the minus strand). VCF-style: chr2-166199611-A-G. GRCh37 (hg19) VCF-style: chr2-167056121-A-G.
Other names: c.4995T>C, p.Asn1665= (NM_002977.4).
Identifiers: ClinVar variation 471138 (VCV000471138.12), dbSNP rs1553473212, ClinGen allele CA429977730.